The following is an entry in ClinVar:

ClinVar aggregate classification (germline): Uncertain significance (1 of 4 stars; one submission).

Submission:

Women's Health and Genetics/Laboratory Corporation of America, LabCorp
Classification: Uncertain significance. Last evaluated: 2026-06-03. Review status: criteria provided, single submitter. Criteria: LabCorp Variant Classification Summary - May 2015. Collection method: clinical testing. Allele origin: germline.
Comment: Variant summary: TNNI3 c.595A>C (p.Ser199Arg) results in a non-conservative amino acid change in the encoded protein sequence. Algorithms developed to predict the effect of missense changes on protein structure and function all suggest that this variant is likely to be disruptive. The variant was absent in 249572 control chromosomes. c.595A>C has been observed in at least one heterozygous individual affected with TNNI3-related conditions (Gomez_2017). To our knowledge, no experimental evidence demonstrating an impact on protein function has been reported. A different variant affecting the same codon has been classified as likely pathogenic/pathogenic (c.596G>A, p.Ser199Asn), supporting the critical relevance of codon 199 to TNNI3 protein function. The following publication has been ascertained in the context of this evaluation (PMID: 28356264). No submitters have cited clinical significance assessments for this variant in ClinVar. Based on the evidence outlined above, the variant was classified as VUS-possibly pathogenic.

Literature cited by the submitters: PubMed 28356264.

NM_000363.5(TNNI3):c.595A>C (p.Ser199Arg)

Gene: TNNI3 (troponin I3, cardiac type; minus strand). Cytogenetic location: 19q13.42.
Variant type: single nucleotide variant.
Coding change: c.595A>C on transcript NM_000363.5 (MANE Select); coding-DNA position 595, A replaced by C.
Protein change: p.Ser199Arg; replaces serine 199 with arginine.
Molecular consequence: missense variant.
Genome position (GRCh38, 1-based): chr19:55,151,872, T>G on the plus strand (A>C on the coding strand, the complement: TNNI3 is on the minus strand). VCF-style: chr19-55151872-T-G. GRCh37 (hg19) VCF-style: chr19-55663240-T-G.
Other names: short protein forms S199R.
Identifiers: ClinVar variation 4887559 (VCV004887559.1).